The following is an entry in ClinVar:

NM_198576.4(AGRN):c.4298+21_4298+55del

Gene: AGRN (agrin; plus strand). Cytogenetic location: 1p36.33.
Variant type: Deletion.
Coding change: c.4298+21_4298+55del on transcript NM_198576.4 (MANE Select); bases 21 to 55 of the intron after coding-DNA position 4298, 35 bases deleted.
Molecular consequence: splice donor variant.
Genome position (GRCh38, 1-based): chr1:1,049,080-1,049,114, 35 bases deleted; deleting any 35 consecutive bases within chr1:1,049,051-1,049,114 gives the same sequence; the c. name uses the placement nearest the transcript's 3' end. GRCh37 (hg19): chr1:984,460-984,494.
Other names: p.?; c.4298+21_4298+55del (NM_001305275.2); c.3983+21_3983+55del (NM_001364727.2).
Identifiers: ClinVar variation 1087402 (VCV001087402.10), dbSNP rs1156907002, ClinGen allele CA509378.
Genomic context (GRCh38, chr1:1,049,050, plus strand): 5'-TGTACAATGGCAACGCCCGGGGCAAGGACTTCCTGGCATTGGCGCTGCTAGATGGCCGCG[TGCAGCTCAGGTGGGCGGGGAGGGGACGGGGCCGGG>T]GCAGCTCAGGTGGGCGGGGAGGGGACGGGCGGGGGAGGGGGGGCCGGGGCAGCTCAGGTG-3'

ClinVar aggregate classification (germline): Likely benign. Review status: criteria provided, multiple submitters, no conflicts (2 of 4 stars). 2 submissions from 2 submitters: Likely benign (2). Last evaluated 2025-12-08.

Conditions:
Congenital myasthenic syndrome 8. Also called: MYASTHENIC SYNDROME, CONGENITAL, DUE TO AGRIN DEFICIENCY; Myasthenic syndrome, congenital, 8, with pre- and postsynaptic defects. Identifiers: Orphanet 590, MedGen C3808739, MONDO:0014052, OMIM 615120.

Submissions (2):

Labcorp Genetics (formerly Invitae), Labcorp
Classification: Likely benign for Congenital myasthenic syndrome 8. Last evaluated: 2025-12-08. Review status: criteria provided, single submitter. Criteria: Invitae Variant Classification Sherloc (09022015). Collection method: clinical testing. Allele origin: germline.

Mayo Clinic Laboratories, Mayo Clinic
Classification: Likely benign. Last evaluated: 2025-02-05. Review status: criteria provided, single submitter. Criteria: ACMG Guidelines, 2015. Collection method: clinical testing. Allele origin: germline. Observed: 1 variant allele.
Comment: BP4, BP7